The following is an entry in ClinVar:

NM_001267550.2(TTN):c.64222G>T (p.Glu21408Ter)

Genes: TTN-AS1 (TTN antisense RNA 1; plus strand), TTN (titin; minus strand). Cytogenetic location: 2q31.2.
Variant type: single nucleotide variant.
Coding change: c.64222G>T on transcript NM_001267550.2 (MANE Select); coding-DNA position 64222, G replaced by T.
Protein change: p.Glu21408Ter; replaces glutamic acid 21408 with a stop codon.
Molecular consequence: nonsense.
Genome position (GRCh38, 1-based): chr2:178,586,679, C>A on the plus strand (G>T on the coding strand, the complement: TTN is on the minus strand). VCF-style: chr2-178586679-C-A. GRCh37 (hg19) VCF-style: chr2-179451406-C-A.
Other names: c.59299G>T, p.Glu19767Ter (NM_001256850.1); c.37027G>T, p.Glu12343Ter (NM_003319.4); c.56518G>T, p.Glu18840Ter (NM_133378.4); c.37402G>T, p.Glu12468Ter (NM_133432.3); c.37603G>T, p.Glu12535Ter (NM_133437.4); short protein forms E12343*, E12468*, E19767*, E18840*, E21408*, E12535*.
Identifiers: ClinVar variation 654132 (VCV000654132.9), dbSNP rs1576015923, ClinGen allele CA349442600.
Genomic context (GRCh38, chr2:178,586,679, plus strand): 5'-CAACAAGGCTCAGATCTTTTACCACTGAGTACTCTGTCCAGCGATCTGCAGGCTGCTCTT[C>A]TTCTCTGTAACTAGTGATGTAGCCATCGATTTTAGCACCTCCATCACGTAGGGGAGGTAA-3'

ClinVar aggregate classification (germline): Likely pathogenic (1 of 4 stars; one submission).

Conditions:
Autosomal recessive limb-girdle muscular dystrophy type 2J (LGMDR10). Also called: Limb-girdle muscular dystrophy, type 2J; MUSCULAR DYSTROPHY, LIMB-GIRDLE, AUTOSOMAL RECESSIVE 10. Identifiers: Orphanet 140922, MedGen C1837342, MONDO:0012127, OMIM 608807.
Dilated cardiomyopathy 1G (CMD1G). Identifiers: Orphanet 154, MedGen C1858763, MONDO:0011400, OMIM 604145.

Submission:

Labcorp Genetics (formerly Invitae), Labcorp
Classification: Likely pathogenic for Dilated cardiomyopathy 1G; Autosomal recessive limb-girdle muscular dystrophy type 2J. Last evaluated: 2018-12-15. Review status: criteria provided, single submitter. Criteria: Invitae Variant Classification Sherloc (09022015). Collection method: clinical testing. Allele origin: germline.
Comment: This variant is located in the A band of TTN (PMID: 25589632). Truncating variants in this region are significantly overrepresented in patients affected with dilated cardiomyopathy (PMID: 25589632). Truncating variants in this region have also been reported in individuals affected with autosomal recessive centronuclear myopathy (PMID: 23975875). In summary, the currently available evidence indicates that the variant is pathogenic, but additional data are needed to prove that conclusively. Therefore, this variant has been classified as Likely Pathogenic. This variant has not been reported in the literature in individuals with TTN-related conditions. This variant is not present in population databases (ExAC no frequency). This sequence change results in a premature translational stop signal in the TTN gene (p.Glu21408*). While this is not anticipated to result in nonsense mediated decay, it is expected to create a truncated TTN protein.

Literature cited by the submitters: PubMed 25589632; PubMed 23975875.